The following is an entry in ClinVar:

NM_015629.4(PRPF31):c.177+1G>A

Gene: PRPF31 (pre-mRNA processing factor 31; plus strand). Cytogenetic location: 19q13.42.
Variant type: single nucleotide variant.
Coding change: c.177+1G>A on transcript NM_015629.4 (MANE Select); the canonical splice donor site of the intron after coding-DNA position 177, G replaced by A.
Molecular consequence: splice donor variant.
Genome position (GRCh38, 1-based): chr19:54,118,456, G>A. VCF-style: chr19-54118456-G-A. GRCh37 (hg19) VCF-style: chr19-54621836-G-A.
Identifiers: ClinVar variation 1994605 (VCV001994605.4), dbSNP rs2516081224, ClinGen allele CA407790159.
Genomic context (GRCh38, chr19:54,118,456, plus strand): 5'-CAGCTGGATCTTTCCGGGGATTCAGTCAAGACCATCGCCAAGCTATGGGATAGTAAGATG[G>A]TAAGAGGACAAGAGGTGTTCCTAGCAGGGGGCTCTAGACAGAATCTCCCAGAAGGGGGTG-3'

ClinVar aggregate classification (germline): Likely pathogenic (1 of 4 stars; one submission).

Submission:

Labcorp Genetics (formerly Invitae), Labcorp
Classification: Likely pathogenic. Last evaluated: 2022-05-15. Review status: criteria provided, single submitter. Criteria: Invitae Variant Classification Sherloc (09022015). Collection method: clinical testing. Allele origin: germline.
Comment: In summary, the currently available evidence indicates that the variant is pathogenic, but additional data are needed to prove that conclusively. Therefore, this variant has been classified as Likely Pathogenic. Algorithms developed to predict the effect of sequence changes on RNA splicing suggest that this variant may disrupt the consensus splice site. Disruption of this splice site has been observed in individual(s) with retinitis pigmentosa (PMID: 16799052). This variant is not present in population databases (gnomAD no frequency). This sequence change affects a donor splice site in intron 2 of the PRPF31 gene. It is expected to disrupt RNA splicing. Variants that disrupt the donor or acceptor splice site typically lead to a loss of protein function (PMID: 16199547), and loss-of-function variants in PRPF31 are known to be pathogenic (PMID: 18317597, 23950152).

Literature cited by the submitters: PubMed 16799052; PubMed 16199547; PubMed 18317597; PubMed 23950152.